The following is an entry in ClinVar:

NM_001401501.2(MUC16):c.37902T>A (p.Thr12634=)

Gene: MUC16 (mucin 16, cell surface associated; minus strand). Cytogenetic location: 19p13.2.
Variant type: single nucleotide variant.
Coding change: c.37902T>A on transcript NM_001401501.2 (MANE Select); coding-DNA position 37902, T replaced by A.
Protein change: p.Thr12634=; no amino-acid change (threonine 12634 retained).
Molecular consequence: synonymous variant.
Genome position (GRCh38, 1-based): chr19:8,907,782, A>T on the plus strand (T>A on the coding strand, the complement: MUC16 is on the minus strand). VCF-style: chr19-8907782-A-T. GRCh37 (hg19) VCF-style: chr19-9018458-A-T.
Other names: c.38328T>A, p.Thr12776= (NM_001414686.1); c.37782T>A, p.Thr12594= (NM_001414687.1); c.37716T>A, p.Thr12572= (NM_024690.2).
Identifiers: ClinVar variation 3053463 (VCV003053463.2), dbSNP rs138331829, ClinGen allele CA9164982.
Genomic context (GRCh38, chr19:8,907,782, plus strand): 5'-ATCTGGGGCTGGGCAGAGTGAGGAGGGAAGGGCACTAACCAGAGTCTGCAGGACCCTCTC[A>T]GTGGTGTTGAACTTCCTGGAGCCAGGGCGATGCATGTCCTCCTCATACTTCAGGTTGGTG-3'
Protein context (NP_001388430.1, residues 12624-12644): HRPGSRKFNT[Thr12634=]ERVLQTLLGP

ClinVar aggregate classification (germline): Likely benign (0 of 4 stars; one submission).

Conditions:
MUC16-related disorder. Also called: MUC16-related condition.

Allele frequency attached by ClinVar (database versions not stated): ExAC 0.00010; 1000 Genomes Project 0.00040; 1000 Genomes Project 30x 0.00078.

Submission:

PreventionGenetics, part of Exact Sciences
Classification: Likely benign for MUC16-related condition. Last evaluated: 2019-12-19. Review status: no assertion criteria provided. Collection method: clinical testing. Allele origin: germline.
Comment: This variant is classified as likely benign based on ACMG/AMP sequence variant interpretation guidelines (Richards et al. 2015 PMID: 25741868, with internal and published modifications).